The following is an entry in ClinVar:

ClinVar aggregate classification (germline): Uncertain significance. Review status: criteria provided, multiple submitters, no conflicts (2 of 4 stars). 2 submissions from 2 submitters: Uncertain significance (2). Last evaluated 2024-10-22.

Conditions:
Congenital myasthenic syndrome 8. Also called: Myasthenic syndrome, congenital, 8, with pre- and postsynaptic defects; MYASTHENIC SYNDROME, CONGENITAL, DUE TO AGRIN DEFICIENCY. Identifiers: Orphanet 590, MedGen C3808739, MONDO:0014052, OMIM 615120.

Allele frequency attached by ClinVar (database versions not stated): TOPMed 0.00004; gnomAD 0.00006; gnomAD exomes 0.00006 and 0.00008; ExAC 0.00009; 1000 Genomes Project 30x 0.00016; 1000 Genomes Project 0.00020.
gnomAD v4.1: 94 of 1,605,134 alleles (0.0059%); highest among the groups gnomAD compares: East Asian, 0.027%; no homozygotes.

Submissions (2):

Labcorp Genetics (formerly Invitae), Labcorp
Classification: Uncertain significance for Congenital myasthenic syndrome 8. Last evaluated: 2024-10-22. Review status: criteria provided, single submitter. Criteria: Invitae Variant Classification Sherloc (09022015). Collection method: clinical testing. Allele origin: germline.
Comment: This sequence change replaces alanine, which is neutral and non-polar, with threonine, which is neutral and polar, at codon 649 of the AGRN protein (p.Ala649Thr). This variant is present in population databases (rs555209196, gnomAD 0.03%). This variant has not been reported in the literature in individuals affected with AGRN-related conditions. ClinVar contains an entry for this variant (Variation ID: 1407380). An algorithm developed to predict the effect of missense changes on protein structure and function (PolyPhen-2) suggests that this variant is likely to be disruptive. In summary, the available evidence is currently insufficient to determine the role of this variant in disease. Therefore, it has been classified as a Variant of Uncertain Significance.

GeneDx
Classification: Uncertain significance. Last evaluated: 2023-04-03. Review status: criteria provided, single submitter. Criteria: GeneDx Variant Classification Process June 2021. Collection method: clinical testing. Allele origin: germline. Affected: yes.
Comment: In silico analysis supports that this missense variant does not alter protein structure/function; Has not been previously published as pathogenic or benign to our knowledge

NM_198576.4(AGRN):c.1945G>A (p.Ala649Thr)

Gene: AGRN (agrin; plus strand). Cytogenetic location: 1p36.33.
Variant type: single nucleotide variant.
Coding change: c.1945G>A on transcript NM_198576.4 (MANE Select); coding-DNA position 1945, G replaced by A.
Protein change: p.Ala649Thr; replaces alanine 649 with threonine.
Molecular consequence: missense variant.
Genome position (GRCh38, 1-based): chr1:1,043,969, G>A. VCF-style: chr1-1043969-G-A. GRCh37 (hg19) VCF-style: chr1-979349-G-A.
Other names: c.1945G>A (NM_198576.3); c.1945G>A, p.Ala649Thr (NM_001305275.2); c.1630G>A, p.Ala544Thr (NM_001364727.2); short protein forms A649T, A544T.
Identifiers: ClinVar variation 1407380 (VCV001407380.5), dbSNP rs555209196, ClinGen allele CA508387.